The following is an entry in ClinVar:

NM_000290.4(PGAM2):c.29G>C (p.Arg10Pro)

Genes: DBNL (drebrin like; plus strand), PGAM2 (phosphoglycerate mutase 2; minus strand). Cytogenetic location: 7p13.
Variant type: single nucleotide variant.
Coding change: c.29G>C on transcript NM_000290.4 (MANE Select); coding-DNA position 29, G replaced by C.
Protein change: p.Arg10Pro; replaces arginine 10 with proline.
Molecular consequence: missense variant. On other transcripts: 3 prime UTR variant (6).
Genome position (GRCh38, 1-based): chr7:44,065,501, C>G on the plus strand (G>C on the coding strand, the complement: PGAM2 is on the minus strand). VCF-style: chr7-44065501-C-G. GRCh37 (hg19) VCF-style: chr7-44105100-C-G.
Other names: c.*4585C>G (NM_001014436.3, NM_001122956.2, NM_001284313.2 and 3 more transcripts); c.29G>C (NM_000290.3); short protein forms R10P.
Identifiers: ClinVar variation 3720896 (VCV003720896.2).

ClinVar aggregate classification (germline): Uncertain significance. Review status: criteria provided, multiple submitters, no conflicts (2 of 4 stars). 2 submissions from 2 submitters: Uncertain significance (2). Last evaluated 2025-01-31.

Conditions:
PGAM2-related disorder. Also called: PGAM2-related condition.
Glycogen storage disease type X (GSD10). Also called: GSD X; MYOPATHY DUE TO PHOSPHOGLYCERATE MUTASE DEFICIENCY; PGAMM DEFICIENCY; PHOSPHOGLYCERATE MUTASE, MUSCLE, DEFICIENCY OF; Glycogen storage disease due to phosphoglycerate mutase deficiency; Dimauro disease. Identifiers: Orphanet 97234, MedGen C0268149, MONDO:0009865, OMIM 261670.

gnomAD v4.1: 97 of 1,613,928 alleles (0.006%); highest among the groups gnomAD compares: Non-Finnish European, 0.0076%; no homozygotes.

Submissions (2):

PreventionGenetics, part of Exact Sciences
Classification: Uncertain significance for PGAM2-related condition. Last evaluated: 2025-01-31. Review status: criteria provided, single submitter. Criteria: ACMG Guidelines, 2015. Collection method: clinical testing. Allele origin: germline.
Comment: The PGAM2 c.29G>C variant is predicted to result in the amino acid substitution p.Arg10Pro. To our knowledge, this variant has not been reported in the literature. This variant is reported in 0.0039% of alleles in individuals of European (Non-Finnish) descent in gnomAD. At this time, the clinical significance of this variant is uncertain due to the absence of conclusive functional and genetic evidence.

Labcorp Genetics (formerly Invitae), Labcorp
Classification: Uncertain significance for Glycogen storage disease type X. Last evaluated: 2024-11-05. Review status: criteria provided, single submitter. Criteria: Invitae Variant Classification Sherloc (09022015). Collection method: clinical testing. Allele origin: germline.
Comment: This sequence change replaces arginine, which is basic and polar, with proline, which is neutral and non-polar, at codon 10 of the PGAM2 protein (p.Arg10Pro). This variant is present in population databases (rs770104295, gnomAD 0.003%). This variant has not been reported in the literature in individuals affected with PGAM2-related conditions. Invitae Evidence Modeling of protein sequence and biophysical properties (such as structural, functional, and spatial information, amino acid conservation, physicochemical variation, residue mobility, and thermodynamic stability) indicates that this missense variant is expected to disrupt PGAM2 protein function with a positive predictive value of 80%. In summary, the available evidence is currently insufficient to determine the role of this variant in disease. Therefore, it has been classified as a Variant of Uncertain Significance.